The following is an entry in ClinVar:

ClinVar aggregate classification (germline): Likely benign. Review status: criteria provided, single submitter (1 of 4 stars). 2 submissions from 2 submitters: Likely benign (1). 1 of the submissions does not count toward it. Last evaluated 2023-04-01.

Conditions:
CDC42BPB-related disorder.

Allele frequency attached by ClinVar (database versions not stated): ESP Exome Variant Server 0.00023; TOPMed 0.00030; ExAC 0.00037; gnomAD 0.00041.
gnomAD v4.1: 597 of 1,613,872 alleles (0.037%); highest among the groups gnomAD compares: Non-Finnish European, 0.036%; 1 homozygote.

Submissions (2):

CeGaT Center for Human Genetics Tuebingen
Classification: Likely benign. Last evaluated: 2023-04-01. Review status: criteria provided, single submitter. Criteria: CeGaT Center For Human Genetics Tuebingen Variant Classification Criteria Version 2. Collection method: clinical testing. Allele origin: germline. Affected: yes. Observed: 1 variant allele.
Comment: CDC42BPB: BP4, BP7

PreventionGenetics, part of Exact Sciences
Classification: Likely benign for CDC42BPB-related condition. Last evaluated: 2024-02-23. Review status: no assertion criteria provided. Collection method: clinical testing. Allele origin: germline. Not counted in ClinVar's aggregate classification.
Comment: This variant is classified as likely benign based on ACMG/AMP sequence variant interpretation guidelines (Richards et al. 2015 PMID: 25741868, with internal and published modifications).

NM_006035.4(CDC42BPB):c.1482C>T (p.Ile494=)

Gene: CDC42BPB (CDC42 binding protein kinase beta; minus strand). Cytogenetic location: 14q32.32.
Variant type: single nucleotide variant.
Coding change: c.1482C>T on transcript NM_006035.4 (MANE Select); coding-DNA position 1482, C replaced by T.
Protein change: p.Ile494=; no amino-acid change (isoleucine 494 retained).
Molecular consequence: synonymous variant.
Genome position (GRCh38, 1-based): chr14:102,975,709, G>A on the plus strand (C>T on the coding strand, the complement: CDC42BPB is on the minus strand). VCF-style: chr14-102975709-G-A. GRCh37 (hg19) VCF-style: chr14-103442046-G-A.
Other names: c.1482C>T, p.Ile494= (NM_001411054.1); c.1482C>T (NM_006035.3).
Identifiers: ClinVar variation 2570892 (VCV002570892.28), dbSNP rs377142500, ClinGen allele CA7361387.